The following is an entry in ClinVar:

ClinVar aggregate classification (germline): Uncertain significance (1 of 4 stars; one submission).

Submission:

Ambry Genetics
Classification: Uncertain significance. Last evaluated: 2025-09-22. Review status: criteria provided, single submitter. Criteria: Ambry Variant Classification Scheme 2023. Collection method: clinical testing. Allele origin: germline.
Comment: The p.K170E variant (also known as c.508A>G), located in coding exon 1 of the MLH3 gene, results from an A to G substitution at nucleotide position 508. The lysine at codon 170 is replaced by glutamic acid, an amino acid with similar properties. This amino acid position is conserved. In addition, the in silico prediction for this alteration is inconclusive. Based on the available evidence, the clinical significance of this variant remains unclear.

NM_001040108.2(MLH3):c.508A>G (p.Lys170Glu)

Gene: MLH3 (mutL homolog 3; minus strand). Cytogenetic location: 14q24.3.
Variant type: single nucleotide variant.
Coding change: c.508A>G on transcript NM_001040108.2 (MANE Select); coding-DNA position 508, A replaced by G.
Protein change: p.Lys170Glu; replaces lysine 170 with glutamic acid.
Molecular consequence: missense variant.
Genome position (GRCh38, 1-based): chr14:75,049,148, T>C on the plus strand (A>G on the coding strand, the complement: MLH3 is on the minus strand). VCF-style: chr14-75049148-T-C. GRCh37 (hg19) VCF-style: chr14-75515851-T-C.
Other names: c.508A>G, p.Lys170Glu (NM_014381.3); short protein forms K170E.
Identifiers: ClinVar variation 4552049 (VCV004552049.1).